The following is an entry in ClinVar:

ClinVar aggregate classification (germline): Conflicting classifications of pathogenicity. Review status: criteria provided, conflicting classifications (1 of 4 stars). 6 submissions from 6 submitters: Uncertain significance (5); Likely benign (1). Last evaluated 2025-12-08.

Conditions:
CBL-related disorder. Also called: NOONAN SYNDROME-LIKE DISORDER WITHOUT JUVENILE MYELOMONOCYTIC LEUKEMIA; CBL MUTATION-ASSOCIATED SYNDROME; CBL SYNDROME. Identifiers: Orphanet 363972, MedGen C3150803, MONDO:0013308, OMIM 613563.
Juvenile myelomonocytic leukemia (JMML). Also called: LEUKEMIA, JUVENILE MYELOMONOCYTIC, SOMATIC. Identifiers: Orphanet 86834, MedGen C0349639, MONDO:0011908, OMIM 607785, HP:0012209.
RASopathy. Also called: rasopathies; Noonan spectrum disorder. Identifiers: Orphanet 536391, MedGen C5555857, MONDO:0021060.
Cardiovascular phenotype. Identifiers: MedGen CN230736.

Allele frequency attached by ClinVar (database versions not stated): TOPMed 0.00007; 1000 Genomes Project 30x 0.00016; 1000 Genomes Project 0.00020; gnomAD exomes 0.00003; ExAC 0.00004; gnomAD 0.00005 and 0.00006.
gnomAD v4.1: 65 of 1,614,198 alleles (0.004%); highest among the groups gnomAD compares: African/African-American, 0.025%; no homozygotes.

Submissions (6):

Labcorp Genetics (formerly Invitae), Labcorp
Classification: Uncertain significance for RASopathy. Last evaluated: 2025-12-08. Review status: criteria provided, single submitter. Criteria: Invitae Variant Classification Sherloc (09022015). Collection method: clinical testing. Allele origin: germline.
Comment: This sequence change replaces cysteine, which is neutral and slightly polar, with tryptophan, which is neutral and slightly polar, at codon 840 of the CBL protein (p.Cys840Trp). This variant is present in population databases (rs112330156, gnomAD 0.007%). This missense change has been observed in individual(s) with Noonan syndrome (PMID: 31057598). ClinVar contains an entry for this variant (Variation ID: 654074). Invitae Evidence Modeling of protein sequence and biophysical properties (such as structural, functional, and spatial information, amino acid conservation, physicochemical variation, residue mobility, and thermodynamic stability) indicates that this missense variant is not expected to disrupt CBL protein function with a negative predictive value of 95%. In summary, the available evidence is currently insufficient to determine the role of this variant in disease. Therefore, it has been classified as a Variant of Uncertain Significance.

GeneDx
Classification: Uncertain significance. Last evaluated: 2025-11-26. Review status: criteria provided, single submitter. Criteria: GeneDx Variant Classification Process June 2021. Collection method: clinical testing. Allele origin: germline.
Comment: Reported in a patient with Noonan syndrome in published literature (PMID: 31057598); In silico analysis suggests that this missense variant does not alter protein structure/function; This variant is associated with the following publications: (PMID: 34426522, 11067845, 39076033, 32558383, 36231062, 31057598)

PreventionGenetics, part of Exact Sciences
Classification: Uncertain significance for CBL-related condition. Last evaluated: 2025-10-02. Review status: criteria provided, single submitter. Criteria: ACMG Guidelines, 2015. Collection method: clinical testing. Allele origin: germline.
Comment: The CBL c.2520T>G variant is predicted to result in the amino acid substitution p.Cys840Trp. This variant has been reported in at least one individual with Noonan syndrome (Ngongang et al. 2019. PubMed ID: 31057598). This variant is reported in 0.0062% of alleles in individuals of African descent in gnomAD. At this time, the clinical significance of this variant is uncertain due to the absence of conclusive functional and genetic evidence.

Ambry Genetics
Classification: Likely benign for Cardiovascular phenotype. Last evaluated: 2025-06-25. Review status: criteria provided, single submitter. Criteria: Ambry Variant Classification Scheme 2023. Collection method: clinical testing. Allele origin: germline.

Women's Health and Genetics/Laboratory Corporation of America, LabCorp
Classification: Uncertain significance. Last evaluated: 2023-01-23. Review status: criteria provided, single submitter. Criteria: LabCorp Variant Classification Summary - May 2015. Collection method: clinical testing. Allele origin: germline.
Comment: Variant summary: CBL c.2520T>G (p.Cys840Trp) results in a non-conservative amino acid change in the encoded protein sequence. Three of five in-silico tools predict a benign effect of the variant on protein function. The variant allele was found at a frequency of 3.2e-05 in 251474 control chromosomes (gnomAD). The available data on variant occurrences in the general population are insufficient to allow any conclusion about variant significance.c.2520T>G has been reported in the literature in at-least one individual reportedly affected with Noonan Syndrome (example, Tekendo-Ngongang_2019). These data do not allow any conclusion about variant significance. To our knowledge, no experimental evidence demonstrating an impact on protein function has been reported. Two clinical diagnostic laboratories have submitted clinical-significance assessments for this variant to ClinVar after 2014 and all classified the variant as uncertain significance. Based on the evidence outlined above, the variant was classified as uncertain significance.

Fulgent Genetics
Classification: Uncertain significance for Juvenile myelomonocytic leukemia; CBL-related disorder. Last evaluated: 2021-10-17. Review status: criteria provided, single submitter. Criteria: ACMG Guidelines, 2015. Collection method: clinical testing. Allele origin: unknown.

Literature cited by the submitters: PubMed 31057598 (cited by 3 submitters).

NM_005188.4(CBL):c.2520T>G (p.Cys840Trp)

Gene: CBL (Cbl proto-oncogene; plus strand). Cytogenetic location: 11q23.3.
Variant type: single nucleotide variant.
Coding change: c.2520T>G on transcript NM_005188.4 (MANE Select); coding-DNA position 2520, T replaced by G.
Protein change: p.Cys840Trp; replaces cysteine 840 with tryptophan.
Molecular consequence: missense variant.
Genome position (GRCh38, 1-based): chr11:119,299,580, T>G. VCF-style: chr11-119299580-T-G. GRCh37 (hg19) VCF-style: chr11-119170290-T-G.
Other names: c.2520T>G (NM_005188.2); short protein forms C840W.
Identifiers: ClinVar variation 654074 (VCV000654074.16), dbSNP rs112330156, ClinGen allele CA6318804.